The following is an entry in ClinVar:

ClinVar aggregate classification (germline): Uncertain significance (1 of 4 stars; one submission).

Conditions:
MEGF8-related Carpenter syndrome. Also called: Carpenter syndrome 2. Identifiers: Orphanet 65759, MedGen C3554247, MONDO:0013998, OMIM 614976.

Allele frequency attached by ClinVar (database versions not stated): TOPMed below 0.00001.
gnomAD v4.1: 1 of 1,614,002 alleles (0.000062%); highest among the groups gnomAD compares: East Asian, 0.0022%; no homozygotes.

Submission:

Labcorp Genetics (formerly Invitae), Labcorp
Classification: Uncertain significance for MEGF8-related Carpenter syndrome. Last evaluated: 2025-04-14. Review status: criteria provided, single submitter. Criteria: Invitae Variant Classification Sherloc (09022015). Collection method: clinical testing. Allele origin: germline.
Comment: This sequence change replaces glycine, which is neutral and non-polar, with glutamic acid, which is acidic and polar, at codon 96 of the MEGF8 protein (p.Gly96Glu). This variant is present in population databases (rs780016069, gnomAD 0.006%). This variant has not been reported in the literature in individuals affected with MEGF8-related conditions. ClinVar contains an entry for this variant (Variation ID: 1977100). An algorithm developed to predict the effect of missense changes on protein structure and function (PolyPhen-2) suggests that this variant is likely to be tolerated. In summary, the available evidence is currently insufficient to determine the role of this variant in disease. Therefore, it has been classified as a Variant of Uncertain Significance.

NM_001271938.2(MEGF8):c.287G>A (p.Gly96Glu)

Gene: MEGF8 (multiple EGF like domains 8; plus strand). Cytogenetic location: 19q13.2.
Variant type: single nucleotide variant.
Coding change: c.287G>A on transcript NM_001271938.2 (MANE Select); coding-DNA position 287, G replaced by A.
Protein change: p.Gly96Glu; replaces glycine 96 with glutamic acid.
Molecular consequence: missense variant.
Genome position (GRCh38, 1-based): chr19:42,333,704, G>A. VCF-style: chr19-42333704-G-A. GRCh37 (hg19) VCF-style: chr19-42837856-G-A.
Other names: c.287G>A, p.Gly96Glu (NM_001410.3); short protein forms G96E.
Identifiers: ClinVar variation 1977100 (VCV001977100.5), dbSNP rs780016069, ClinGen allele CA9474111.
Genomic context (GRCh38, chr19:42,333,704, plus strand): 5'-TCCTGGACACAGAGTGCACGTATGACTACCTGTTCGTGTATGACGGTGACTCCCCGCGAG[G>A]GCCGCTGCTTGCCAGTCTAAGTGGGAGCACCCGACCTCCGCCCATCGAAGCTTCCTCAGG-3'
Protein context (NP_001258867.1, residues 86-106): LFVYDGDSPR[Gly96Glu]PLLASLSGST